The following is an entry in ClinVar:

ClinVar aggregate classification (germline): Uncertain significance (1 of 4 stars; one submission).

Conditions:
Charcot-Marie-Tooth disease, type I (CMT1). Also called: Charcot-Marie-Tooth, Type 1; Charcot-Marie-Tooth disease type 1. Identifiers: Orphanet 65753, MedGen C0751036, MONDO:0019011.

gnomAD v4.1: 1 of 1,614,124 alleles (0.000062%); no homozygotes.

Submission:

Labcorp Genetics (formerly Invitae), Labcorp
Classification: Uncertain significance for Charcot-Marie-Tooth disease, type I. Last evaluated: 2023-05-15. Review status: criteria provided, single submitter. Criteria: Invitae Variant Classification Sherloc (09022015). Collection method: clinical testing. Allele origin: germline.
Comment: ClinVar contains an entry for this variant (Variation ID: 1377166). Advanced modeling of protein sequence and biophysical properties (such as structural, functional, and spatial information, amino acid conservation, physicochemical variation, residue mobility, and thermodynamic stability) performed at Invitae indicates that this missense variant is not expected to disrupt EGR2 protein function. In summary, the available evidence is currently insufficient to determine the role of this variant in disease. Therefore, it has been classified as a Variant of Uncertain Significance. This sequence change replaces alanine, which is neutral and non-polar, with proline, which is neutral and non-polar, at codon 80 of the EGR2 protein (p.Ala80Pro). This variant is not present in population databases (gnomAD no frequency). This variant has not been reported in the literature in individuals affected with EGR2-related conditions.

NM_000399.5(EGR2):c.238G>C (p.Ala80Pro)

Gene: EGR2 (early growth response 2; minus strand). Cytogenetic location: 10q21.3.
Variant type: single nucleotide variant.
Coding change: c.238G>C on transcript NM_000399.5 (MANE Select); coding-DNA position 238, G replaced by C.
Protein change: p.Ala80Pro; replaces alanine 80 with proline.
Molecular consequence: missense variant.
Genome position (GRCh38, 1-based): chr10:62,814,400, C>G on the plus strand (G>C on the coding strand, the complement: EGR2 is on the minus strand). VCF-style: chr10-62814400-C-G. GRCh37 (hg19) VCF-style: chr10-64574160-C-G.
Other names: c.238G>C, p.Ala80Pro (NM_001136177.3, NM_001136178.2); c.88G>C, p.Ala30Pro (NM_001136179.3, NM_001321037.2); short protein forms A80P, A30P.
Identifiers: ClinVar variation 1377166 (VCV001377166.8), dbSNP rs1158907439, ClinGen allele CA377032117.
Genomic context (GRCh38, chr10:62,814,400, plus strand): 5'-GGTCAATGGAGAACTTGCCCATGTAAGTGAAGGTCTGGTTTCTAGGTGCAGAGACGGGAG[C>G]AAAGCTGCTGGGATATGGGAGATCCAACGACCTCTTCTCTCCAGTCATGTCAATGTTGAT-3'
Protein context (NP_000390.2, residues 70-90): SLDLPYPSSF[Ala80Pro]PVSAPRNQTF